The following is an entry in ClinVar:

ClinVar aggregate classification (germline): Uncertain significance (1 of 4 stars; one submission).

Conditions:
Hereditary cancer-predisposing syndrome. Also called: Neoplastic Syndromes, Hereditary; Tumor predisposition; Hereditary Cancer Syndrome; Hereditary neoplastic syndrome. Identifiers: Orphanet 140162, MedGen C0027672, MeSH D009386, MONDO:0015356.

Submission:

Ambry Genetics
Classification: Uncertain significance for Hereditary cancer-predisposing syndrome. Last evaluated: 2022-04-05. Review status: criteria provided, single submitter. Criteria: Ambry Variant Classification Scheme 2023. Collection method: clinical testing. Allele origin: germline.
Comment: The p.I1267L variant (also known as c.3799A>C), located in coding exon 25 of the RAD50 gene, results from an A to C substitution at nucleotide position 3799. The isoleucine at codon 1267 is replaced by leucine, an amino acid with highly similar properties. This amino acid position is conserved. In addition, this alteration is predicted to be deleterious by in silico analysis. Since supporting evidence is limited at this time, the clinical significance of this alteration remains unclear.

NM_005732.4(RAD50):c.3799A>C (p.Ile1267Leu)

Genes: RAD50 (RAD50 double strand break repair protein; plus strand), TH2LCRR (T helper type 2 locus control region associated RNA; minus strand). Cytogenetic location: 5q31.1.
Variant type: single nucleotide variant.
Coding change: c.3799A>C on transcript NM_005732.4 (MANE Select); coding-DNA position 3799, A replaced by C.
Protein change: p.Ile1267Leu; replaces isoleucine 1267 with leucine.
Molecular consequence: missense variant. On other transcripts: non-coding transcript variant (1).
Genome position (GRCh38, 1-based): chr5:132,642,224, A>C. VCF-style: chr5-132642224-A-C. GRCh37 (hg19) VCF-style: chr5-131977916-A-C.
Other names: short protein forms I1267L.
Identifiers: ClinVar variation 1735005 (VCV001735005.2), dbSNP rs1751739783, ClinGen allele CA360936369.